The following is an entry in ClinVar:

NM_004517.4(ILK):c.110C>T (p.Pro37Leu)

Genes: ILK (integrin linked kinase; plus strand), TAF10 (TATA-box binding protein associated factor 10; minus strand). Cytogenetic location: 11p15.4.
Variant type: single nucleotide variant.
Coding change: c.110C>T on transcript NM_004517.4 (MANE Select); coding-DNA position 110, C replaced by T.
Protein change: p.Pro37Leu; replaces proline 37 with leucine.
Molecular consequence: missense variant. On other transcripts: 3 prime UTR variant (1), intron variant (1).
Genome position (GRCh38, 1-based): chr11:6,608,066, C>T. VCF-style: chr11-6608066-C-T. GRCh37 (hg19) VCF-style: chr11-6629296-C-T.
Other names: c.110C>T, p.Pro37Leu (NM_001014794.3, NM_001014795.3, NM_001278441.2); c.*2856G>A (NM_006284.4); c.-147-328C>T (NM_001278442.2); short protein forms P37L.
Identifiers: ClinVar variation 1413619 (VCV001413619.8), dbSNP rs2134551114, ClinGen allele CA379454229.
Genomic context (GRCh38, chr11:6,608,066, plus strand): 5'-TCCCACCTCCAGCTCAATGACCATTGCCCCTTCCTCAAAGGGACGATCATGGCTTCTCCC[C>T]CTTGCACTGGGCCTGCCGAGAGGGCCGCTCTGCTGTGGTTGAGATGTTGATCATGCGGGG-3'
Protein context (NP_004508.1, residues 27-47): LNQGDDHGFS[Pro37Leu]LHWACREGRS

ClinVar aggregate classification (germline): Uncertain significance (1 of 4 stars; one submission).

Conditions:
Primary familial hypertrophic cardiomyopathy (HCM). Identifiers: Orphanet 99739, MedGen C0949658, MeSH D024741, MONDO:0024573. Inheritance: Various modes of inheritance.

Allele frequency attached by ClinVar (database versions not stated): gnomAD exomes below 0.00001.
gnomAD v4.1: 1 of 1,614,138 alleles (0.000062%); highest among the groups gnomAD compares: Non-Finnish European, 0.000085%; no homozygotes.

Submission:

Labcorp Genetics (formerly Invitae), Labcorp
Classification: Uncertain significance for Primary familial hypertrophic cardiomyopathy. Last evaluated: 2021-07-13. Review status: criteria provided, single submitter. Criteria: Invitae Variant Classification Sherloc (09022015). Collection method: clinical testing. Allele origin: germline.
Comment: This variant has not been reported in the literature in individuals affected with ILK-related conditions. Algorithms developed to predict the effect of missense changes on protein structure and function (SIFT, PolyPhen-2, Align-GVGD) all suggest that this variant is likely to be disruptive. In summary, the available evidence is currently insufficient to determine the role of this variant in disease. Therefore, it has been classified as a Variant of Uncertain Significance. This variant is not present in population databases (ExAC no frequency). This sequence change replaces proline with leucine at codon 37 of the ILK protein (p.Pro37Leu). The proline residue is highly conserved and there is a moderate physicochemical difference between proline and leucine.